The following is an entry in ClinVar:

NM_020975.6(RET):c.2504C>T (p.Ser835Phe)

Gene: RET (ret proto-oncogene; plus strand). Cytogenetic location: 10q11.21.
Variant type: single nucleotide variant.
Coding change: c.2504C>T on transcript NM_020975.6 (MANE Select); coding-DNA position 2504, C replaced by T.
Protein change: p.Ser835Phe; replaces serine 835 with phenylalanine.
Molecular consequence: missense variant.
Genome position (GRCh38, 1-based): chr10:43,119,642, C>T. VCF-style: chr10-43119642-C-T. GRCh37 (hg19) VCF-style: chr10-43615090-C-T.
Other names: c.2504C>T, p.Ser835Phe (NM_001406744.1, NM_001406759.1, NM_001406760.1 and 2 more transcripts); c.2375C>T, p.Ser792Phe (NM_001406761.1, NM_001406762.1, NM_001406764.1); c.2369C>T, p.Ser790Phe (NM_001406763.1, NM_001406765.1); c.1478C>T, p.Ser493Phe (NM_001406783.1, NM_001406786.1); c.1514C>T, p.Ser505Phe (NM_001406784.1); c.1487C>T, p.Ser496Phe (NM_001406785.1); c.2216C>T, p.Ser739Phe (NM_001406766.1, NM_001406767.1, NM_001406770.1); c.1778C>T, p.Ser593Phe (NM_001406777.1, NM_001406778.1, NM_001406775.1 and 1 more transcripts); and 10 more; short protein forms S352F, S440F, S496F, S747F, S790F, S400F, S593F, S689F.
Identifiers: ClinVar variation 3944706 (VCV003944706.1).

ClinVar aggregate classification (germline): Uncertain significance (1 of 4 stars; one submission).

Conditions:
Hereditary cancer-predisposing syndrome. Also called: Tumor predisposition; Hereditary neoplastic syndrome; Hereditary Cancer Syndrome; Neoplastic Syndromes, Hereditary. Identifiers: Orphanet 140162, MedGen C0027672, MeSH D009386, MONDO:0015356.

gnomAD v4.1: 6 of 1,613,222 alleles (0.00037%); highest among the groups gnomAD compares: South Asian, 0.0066%; no homozygotes.

Submission:

Ambry Genetics
Classification: Uncertain significance for Hereditary cancer-predisposing syndrome. Last evaluated: 2025-05-18. Review status: criteria provided, single submitter. Criteria: Ambry Variant Classification Scheme 2023. Collection method: clinical testing. Allele origin: germline.
Comment: The p.S835F variant (also known as c.2504C>T), located in coding exon 14 of the RET gene, results from a C to T substitution at nucleotide position 2504. The serine at codon 835 is replaced by phenylalanine, an amino acid with highly dissimilar properties. This amino acid position is conserved. In addition, the in silico prediction for this alteration is inconclusive. Based on the available evidence, the clinical significance of this variant remains unclear.